The following continues an entry in ClinVar:

NM_052844.4(DYNC2I2):c.187-3C>A

Gene: DYNC2I2. ClinVar aggregate classification (germline): Benign. Benign (2).

Submissions 33 to 55 of 55:

Dr. Peter K. Rogan Lab, Western University
No classification provided (evidence only). Condition: Sarcoma. Review status: no classification provided. Collection method: in vitro. Allele origin: not applicable. Functional consequence: retained intron. Not counted in ClinVar's aggregate classification.

Dr. Peter K. Rogan Lab, Western University
No classification provided (evidence only). Condition: Sarcoma. Review status: no classification provided. Collection method: in vitro. Allele origin: not applicable. Functional consequence: retained intron. Not counted in ClinVar's aggregate classification.

Dr. Peter K. Rogan Lab, Western University
No classification provided (evidence only). Condition: Sarcoma. Review status: no classification provided. Collection method: in vitro. Allele origin: not applicable. Functional consequence: skipped exon, retained intron. Not counted in ClinVar's aggregate classification.

Dr. Peter K. Rogan Lab, Western University
No classification provided (evidence only). Condition: Sarcoma. Review status: no classification provided. Collection method: in vitro. Allele origin: not applicable. Functional consequence: skipped exon, retained intron. Not counted in ClinVar's aggregate classification.

Dr. Peter K. Rogan Lab, Western University
No classification provided (evidence only). Condition: Cholangiocarcinoma. Review status: no classification provided. Collection method: in vitro. Allele origin: not applicable. Functional consequence: retained intron. Not counted in ClinVar's aggregate classification.

Dr. Peter K. Rogan Lab, Western University
No classification provided (evidence only). Condition: Ovarian serous cystadenocarcinoma. Review status: no classification provided. Collection method: in vitro. Allele origin: not applicable. Functional consequence: retained intron. Not counted in ClinVar's aggregate classification.

Dr. Peter K. Rogan Lab, Western University
No classification provided (evidence only). Condition: Ovarian serous cystadenocarcinoma. Review status: no classification provided. Collection method: in vitro. Allele origin: not applicable. Functional consequence: retained intron. Not counted in ClinVar's aggregate classification.

Dr. Peter K. Rogan Lab, Western University
No classification provided (evidence only). Condition: Ovarian serous cystadenocarcinoma. Review status: no classification provided. Collection method: in vitro. Allele origin: not applicable. Functional consequence: retained intron. Not counted in ClinVar's aggregate classification.

Dr. Peter K. Rogan Lab, Western University
No classification provided (evidence only). Condition: Gastric cancer. Review status: no classification provided. Collection method: in vitro. Allele origin: not applicable. Functional consequence: retained intron. Not counted in ClinVar's aggregate classification.

Dr. Peter K. Rogan Lab, Western University
No classification provided (evidence only). Condition: Gastric cancer. Review status: no classification provided. Collection method: in vitro. Allele origin: not applicable. Functional consequence: retained intron. Not counted in ClinVar's aggregate classification.

Dr. Peter K. Rogan Lab, Western University
No classification provided (evidence only). Condition: Gastric cancer. Review status: no classification provided. Collection method: in vitro. Allele origin: not applicable. Functional consequence: retained intron. Not counted in ClinVar's aggregate classification.

Dr. Peter K. Rogan Lab, Western University
No classification provided (evidence only). Condition: Gastric cancer. Review status: no classification provided. Collection method: in vitro. Allele origin: not applicable. Functional consequence: retained intron. Not counted in ClinVar's aggregate classification.

Dr. Peter K. Rogan Lab, Western University
No classification provided (evidence only). Condition: Gastric cancer. Review status: no classification provided. Collection method: in vitro. Allele origin: not applicable. Functional consequence: retained intron. Not counted in ClinVar's aggregate classification.

Dr. Peter K. Rogan Lab, Western University
No classification provided (evidence only). Condition: Gastric cancer. Review status: no classification provided. Collection method: in vitro. Allele origin: not applicable. Functional consequence: retained intron. Not counted in ClinVar's aggregate classification.

Dr. Peter K. Rogan Lab, Western University
No classification provided (evidence only). Condition: Uveal melanoma. Review status: no classification provided. Collection method: in vitro. Allele origin: not applicable. Functional consequence: retained intron. Not counted in ClinVar's aggregate classification.

Dr. Peter K. Rogan Lab, Western University
No classification provided (evidence only). Condition: Malignant tumor of esophagus. Review status: no classification provided. Collection method: in vitro. Allele origin: not applicable. Functional consequence: retained intron. Not counted in ClinVar's aggregate classification.

Dr. Peter K. Rogan Lab, Western University
No classification provided (evidence only). Condition: Malignant tumor of esophagus. Review status: no classification provided. Collection method: in vitro. Allele origin: not applicable. Functional consequence: retained intron. Not counted in ClinVar's aggregate classification.

Dr. Peter K. Rogan Lab, Western University
No classification provided (evidence only). Condition: Malignant tumor of esophagus. Review status: no classification provided. Collection method: in vitro. Allele origin: not applicable. Functional consequence: retained intron. Not counted in ClinVar's aggregate classification.

Dr. Peter K. Rogan Lab, Western University
No classification provided (evidence only). Condition: Nonpapillary renal cell carcinoma. Review status: no classification provided. Collection method: in vitro. Allele origin: not applicable. Functional consequence: retained intron. Not counted in ClinVar's aggregate classification.

Dr. Peter K. Rogan Lab, Western University
No classification provided (evidence only). Condition: Nonpapillary renal cell carcinoma. Review status: no classification provided. Collection method: in vitro. Allele origin: not applicable. Functional consequence: retained intron. Not counted in ClinVar's aggregate classification.

Dr. Peter K. Rogan Lab, Western University
No classification provided (evidence only). Condition: Lymphoma. Review status: no classification provided. Collection method: in vitro. Allele origin: not applicable. Functional consequence: retained intron. Not counted in ClinVar's aggregate classification.

Dr. Peter K. Rogan Lab, Western University
No classification provided (evidence only). Condition: Lymphoma. Review status: no classification provided. Collection method: in vitro. Allele origin: not applicable. Functional consequence: retained intron. Not counted in ClinVar's aggregate classification.

Dr. Peter K. Rogan Lab, Western University
No classification provided (evidence only). Condition: Lymphoma. Review status: no classification provided. Collection method: in vitro. Allele origin: not applicable. Functional consequence: retained intron. Not counted in ClinVar's aggregate classification.